The following is an entry in ClinVar:

NM_000388.4(CASR):c.367T>A (p.Leu123Met)

Gene: CASR (calcium sensing receptor; plus strand). Cytogenetic location: 3q21.1.
Variant type: single nucleotide variant.
Coding change: c.367T>A on transcript NM_000388.4 (MANE Select); coding-DNA position 367, T replaced by A.
Protein change: p.Leu123Met; replaces leucine 123 with methionine.
Molecular consequence: missense variant.
Genome position (GRCh38, 1-based): chr3:122,257,262, T>A. VCF-style: chr3-122257262-T-A. GRCh37 (hg19) VCF-style: chr3-121976109-T-A.
Other names: c.367T>A (NM_000388.3); c.367T>A, p.Leu123Met (NM_001178065.2); short protein forms L123M.
Identifiers: ClinVar variation 1511340 (VCV001511340.9), dbSNP rs2107627702, ClinGen allele CA354362745.

ClinVar aggregate classification (germline): Uncertain significance. Review status: criteria provided, multiple submitters, no conflicts (2 of 4 stars). 4 submissions from 4 submitters: Uncertain significance (4). Last evaluated 2026-04-17.

Conditions:
Autosomal dominant hypocalcemia 1 (HYPOC1). Also called: HYPOCALCEMIA, FAMILIAL. Identifiers: MedGen C3715128, MONDO:0011013, OMIM 601198.
Familial hypocalciuric hypercalcemia (FHH). Also called: Familial benign hypercalcemia. Identifiers: Orphanet 405, MedGen C1809471, MONDO:0018458.
Epilepsy, idiopathic generalized, susceptibility to, 8. Identifiers: MedGen C2752062, MONDO:0013032, OMIM 612899.
Familial hypocalciuric hypercalcemia 1. Also called: Hypercalcemia, familial benign type 1. Identifiers: Orphanet 405, Orphanet 93372, MedGen C0342637, MONDO:0007791, OMIM 145980.
Neonatal severe primary hyperparathyroidism. Identifiers: Orphanet 417, MedGen C1832615, MONDO:0009397, OMIM 239200.
Nephrolithiasis/nephrocalcinosis. Identifiers: MedGen CN580796.

Submissions (4):

Women's Health and Genetics/Laboratory Corporation of America, LabCorp
Classification: Uncertain significance. Last evaluated: 2026-04-17. Review status: criteria provided, single submitter. Criteria: LabCorp Variant Classification Summary - May 2015. Collection method: clinical testing. Allele origin: germline.
Comment: Variant summary: CASR c.367T>A (p.Leu123Met) results in a conservative amino acid change in the encoded protein sequence. Algorithms developed to predict the effect of missense changes on protein structure and function are either unavailable or do not agree on the potential impact of this missense change. The variant was absent in 251406 control chromosomes (gnomAD). The available data on variant occurrences in the general population are insufficient to allow any conclusion about variant significance. c.367T>A has been observed in one individual affected with hypercalcemia (Garca-Castao_2019). The report does not provide unequivocal conclusions about association of the variant with Autosomal Dominant Hypocalcemia. To our knowledge, no experimental evidence demonstrating an impact on protein function has been reported. The following publication have been ascertained in the context of this evaluation (PMID: 30407919). ClinVar contains an entry for this variant (Variation ID: 1511340). Based on the evidence outlined above, the variant was classified as uncertain significance.

Ambry Genetics
Classification: Uncertain significance for Nephrolithiasis/nephrocalcinosis. Last evaluated: 2024-07-05. Review status: criteria provided, single submitter. Criteria: Ambry Variant Classification Scheme 2023. Collection method: clinical testing. Allele origin: germline.
Comment: The p.L123M variant (also known as c.367T>A), located in coding exon 2 of the CASR gene, results from a T to A substitution at nucleotide position 367. The leucine at codon 123 is replaced by methionine, an amino acid with highly similar properties. This alteration was identified in an individual diagnosed with hypocalcemia (Garc&iacute;a-Casta&ntilde;o A et al. Eur J Endocrinol, 2019 Jan;180:59-70). This amino acid position is highly conserved in available vertebrate species. In addition, the in silico prediction for this alteration is inconclusive. Based on the available evidence, the clinical significance of this variant remains unclear.

Fulgent Genetics
Classification: Uncertain significance for Familial hypocalciuric hypercalcemia 1; Neonatal severe primary hyperparathyroidism; Autosomal dominant hypocalcemia 1; Epilepsy, idiopathic generalized, susceptibility to, 8. Last evaluated: 2024-04-02. Review status: criteria provided, single submitter. Criteria: ACMG Guidelines, 2015. Collection method: clinical testing. Allele origin: germline.

Labcorp Genetics (formerly Invitae), Labcorp
Classification: Uncertain significance for Familial hypocalciuric hypercalcemia; Autosomal dominant hypocalcemia 1. Last evaluated: 2022-09-07. Review status: criteria provided, single submitter. Criteria: Invitae Variant Classification Sherloc (09022015). Collection method: clinical testing. Allele origin: germline.
Comment: This sequence change replaces leucine, which is neutral and non-polar, with methionine, which is neutral and non-polar, at codon 123 of the CASR protein (p.Leu123Met). This variant is not present in population databases (gnomAD no frequency). This missense change has been observed in individual(s) with CASR-related conditions (PMID: 30407919). ClinVar contains an entry for this variant (Variation ID: 1511340). Algorithms developed to predict the effect of missense changes on protein structure and function are either unavailable or do not agree on the potential impact of this missense change (SIFT: "Deleterious"; PolyPhen-2: "Probably Damaging"; Align-GVGD: "Class C0"). In summary, the available evidence is currently insufficient to determine the role of this variant in disease. Therefore, it has been classified as a Variant of Uncertain Significance.

Literature cited by the submitters: PubMed 30407919 (cited by 3 submitters).